The following is an entry in ClinVar:

ClinVar aggregate classification (germline): Uncertain significance. Review status: criteria provided, multiple submitters, no conflicts (2 of 4 stars). 3 submissions from 3 submitters: Uncertain significance (3). Last evaluated 2023-09-01.

Conditions:
Inborn genetic diseases. Identifiers: MedGen C0950123, MeSH D030342.

Allele frequency attached by ClinVar (database versions not stated): gnomAD exomes 0.00001 and 0.00002; TOPMed 0.00001; ExAC 0.00004.
gnomAD v4.1: 8 of 1,613,970 alleles (0.0005%); highest among the groups gnomAD compares: Admixed American, 0.0083%; no homozygotes.

Submissions (3):

CeGaT Center for Human Genetics Tuebingen
Classification: Uncertain significance. Last evaluated: 2023-09-01. Review status: criteria provided, single submitter. Criteria: CeGaT Center For Human Genetics Tuebingen Variant Classification Criteria Version 2. Collection method: clinical testing. Allele origin: germline. Affected: yes. Observed: 1 variant allele.
Comment: WDR1: PM1, PM2

Ambry Genetics
Classification: Uncertain significance for Inborn genetic diseases. Last evaluated: 2023-07-17. Review status: criteria provided, single submitter. Criteria: Ambry Variant Classification Scheme 2023. Collection method: clinical testing. Allele origin: germline.

Labcorp Genetics (formerly Invitae), Labcorp
Classification: Uncertain significance. Last evaluated: 2022-06-13. Review status: criteria provided, single submitter. Criteria: Invitae Variant Classification Sherloc (09022015). Collection method: clinical testing. Allele origin: germline.
Comment: In summary, the available evidence is currently insufficient to determine the role of this variant in disease. Therefore, it has been classified as a Variant of Uncertain Significance. Algorithms developed to predict the effect of missense changes on protein structure and function are either unavailable or do not agree on the potential impact of this missense change (SIFT: "Deleterious"; PolyPhen-2: "Possibly Damaging"; Align-GVGD: "Class C0"). This variant has not been reported in the literature in individuals affected with WDR1-related conditions. This variant is present in population databases (rs761742854, gnomAD 0.01%). This sequence change replaces valine, which is neutral and non-polar, with methionine, which is neutral and non-polar, at codon 422 of the WDR1 protein (p.Val422Met).

NM_017491.5(WDR1):c.1264G>A (p.Val422Met)

Gene: WDR1 (WD repeat domain 1; minus strand). Cytogenetic location: 4p16.1.
Variant type: single nucleotide variant.
Coding change: c.1264G>A on transcript NM_017491.5 (MANE Select); coding-DNA position 1264, G replaced by A.
Protein change: p.Val422Met; replaces valine 422 with methionine.
Molecular consequence: missense variant.
Genome position (GRCh38, 1-based): chr4:10,081,377, C>T on the plus strand (G>A on the coding strand, the complement: WDR1 is on the minus strand). VCF-style: chr4-10081377-C-T. GRCh37 (hg19) VCF-style: chr4-10083001-C-T.
Other names: c.1264G>A (NM_017491.3); c.844G>A, p.Val282Met (NM_005112.5); short protein forms V282M, V422M.
Identifiers: ClinVar variation 1467576 (VCV001467576.32), dbSNP rs761742854, ClinGen allele CA2857658.
Genomic context (GRCh38, chr4:10,081,377, plus strand): 5'-AGCTGCAGGCTCCCACCCAAACACTAAGCCAGGTCCCTACCTGTCCAATGCACACGACCA[C>T]GGCGTATCCCCCGGGGCCGACGGCTACGCACTTTGGCTGAACGTCCAGTTTCACAACTCC-3'
Protein context (NP_059830.1, residues 412-432): CVAVGPGGYA[Val422Met]VVCIGQIVLL